The following is an entry in ClinVar:

ClinVar aggregate classification (germline): Uncertain significance (1 of 4 stars; one submission).

Conditions:
COL3A1-related disorder. Also called: COL3A1-related condition.

Submission:

PreventionGenetics, part of Exact Sciences
Classification: Uncertain significance for COL3A1-related condition. Last evaluated: 2022-11-14. Review status: criteria provided, single submitter. Criteria: ACMG Guidelines, 2015. Collection method: clinical testing. Allele origin: germline.
Comment: The COL3A1 c.2057C>A variant is predicted to result in the amino acid substitution p.Pro686His. To our knowledge, this variant has not been reported in the literature or in a large population database, indicating this variant is rare. At this time, the clinical significance of this variant is uncertain due to the absence of conclusive functional and genetic evidence.

NM_000090.4(COL3A1):c.2057C>A (p.Pro686His)

Gene: COL3A1 (collagen type III alpha 1 chain; plus strand). Cytogenetic location: 2q32.2.
Variant type: single nucleotide variant.
Coding change: c.2057C>A on transcript NM_000090.4 (MANE Select); coding-DNA position 2057, C replaced by A.
Protein change: p.Pro686His; replaces proline 686 with histidine.
Molecular consequence: missense variant.
Genome position (GRCh38, 1-based): chr2:188,999,319, C>A. VCF-style: chr2-188999319-C-A. GRCh37 (hg19) VCF-style: chr2-189864045-C-A.
Other names: short protein forms P686H.
Identifiers: ClinVar variation 2635449 (VCV002635449.1), dbSNP rs2469143348, ClinGen allele CA349839986.